The following is an entry in ClinVar:

ClinVar aggregate classification (germline): Uncertain significance (1 of 4 stars; one submission).

Conditions:
Inborn genetic diseases. Identifiers: MedGen C0950123, MeSH D030342.

Submission:

Ambry Genetics
Classification: Uncertain significance for Inborn genetic diseases. Last evaluated: 2026-01-04. Review status: criteria provided, single submitter. Criteria: Ambry Variant Classification Scheme 2023. Collection method: clinical testing. Allele origin: germline.
Comment: The p.F221I variant (also known as c.661T>A), located in coding exon 6 of the RUNX1 gene, results from a T to A substitution at nucleotide position 661. The phenylalanine at codon 221 is replaced by isoleucine, an amino acid with highly similar properties. This amino acid position is conserved. In addition, this alteration is predicted to be deleterious by in silico analysis. Based on the available evidence, the clinical significance of this variant remains unclear.

NM_001754.5(RUNX1):c.661T>A (p.Phe221Ile)

Gene: RUNX1 (RUNX family transcription factor 1; minus strand). Cytogenetic location: 21q22.12.
Variant type: single nucleotide variant.
Coding change: c.661T>A on transcript NM_001754.5 (MANE Select); coding-DNA position 661, T replaced by A.
Protein change: p.Phe221Ile; replaces phenylalanine 221 with isoleucine.
Molecular consequence: missense variant.
Genome position (GRCh38, 1-based): chr21:34,834,554, A>T on the plus strand (T>A on the coding strand, the complement: RUNX1 is on the minus strand). VCF-style: chr21-34834554-A-T. GRCh37 (hg19) VCF-style: chr21-36206851-A-T.
Other names: c.580T>A, p.Phe194Ile (NM_001001890.3, NM_001122607.2); short protein forms F221I, F194I.
Identifiers: ClinVar variation 4841299 (VCV004841299.1).